The following is an entry in ClinVar:

ClinVar aggregate classification (germline): Uncertain significance (1 of 4 stars; one submission).

Conditions:
Hereditary cancer-predisposing syndrome. Also called: Neoplastic Syndromes, Hereditary; Tumor predisposition; Hereditary Cancer Syndrome; Hereditary neoplastic syndrome. Identifiers: Orphanet 140162, MedGen C0027672, MeSH D009386, MONDO:0015356.

Submission:

Ambry Genetics
Classification: Uncertain significance for Hereditary cancer-predisposing syndrome. Last evaluated: 2019-12-05. Review status: criteria provided, single submitter. Criteria: Ambry Variant Classification Scheme 2023. Collection method: clinical testing. Allele origin: germline.
Comment: The p.R722M variant (also known as c.2165G>T), located in coding exon 12 of the PMS2 gene, results from a G to T substitution at nucleotide position 2165. The arginine at codon 722 is replaced by methionine, an amino acid with similar properties. This amino acid position is not well conserved in available vertebrate species. In addition, the in silico prediction for this alteration is inconclusive. Since supporting evidence is limited at this time, the clinical significance of this alteration remains unclear.

NM_000535.7(PMS2):c.2165G>T (p.Arg722Met)

Gene: PMS2 (PMS1 homolog 2, mismatch repair system component; minus strand). Cytogenetic location: 7p22.1.
Variant type: single nucleotide variant.
Coding change: c.2165G>T on transcript NM_000535.7 (MANE Select); coding-DNA position 2165, G replaced by T.
Protein change: p.Arg722Met; replaces arginine 722 with methionine.
Molecular consequence: missense variant. On other transcripts: non-coding transcript variant (1).
Genome position (GRCh38, 1-based): chr7:5,982,833, C>A on the plus strand (G>T on the coding strand, the complement: PMS2 is on the minus strand). VCF-style: chr7-5982833-C-A. GRCh37 (hg19) VCF-style: chr7-6022464-C-A.
Other names: c.1760G>T, p.Arg587Met (NM_001018040.1, NM_001322003.2, NM_001322004.2 and 15 more transcripts); c.2009G>T, p.Arg670Met (NM_001322006.2, NM_001406870.1); c.1847G>T, p.Arg616Met (NM_001322007.2, NM_001322008.2, NM_001406876.1 and 1 more transcripts); c.1604G>T, p.Arg535Met (NM_001322010.2, NM_001406906.1, NM_001406907.1); c.1232G>T, p.Arg411Met (NM_001322011.2, NM_001322012.2); c.1592G>T, p.Arg531Met (NM_001322013.2, NM_001406909.1); c.2165G>T, p.Arg722Met (NM_001322014.2, NM_001406871.1); c.1856G>T, p.Arg619Met (NM_001322015.2, NM_001406875.1, NM_001406877.1 and 5 more transcripts); and 13 more; short protein forms R465M, R587M, R666M, R730M, R535M, R551M, R564M, R567M.
Identifiers: ClinVar variation 1786973 (VCV001786973.2), dbSNP rs2128702299, ClinGen allele CA366737856.
Genomic context (GRCh38, chr7:5,982,833, plus strand): 5'-TAGATCTTCAATTTGAGGGGGAGTCTGGGAATGAACACTAAACACACTCACGCTATGAGC[C>A]TCTGCCCCTGGAGCACGGTGTGCTGCTGCAGCATCTCGAAGTTATACTTCTCGTCCGTGG-3'
Protein context (NP_000526.2, residues 712-732): LQQHTVLQGQ[Arg722Met]LIAPQTLNLT